The following is an entry in ClinVar:

ClinVar aggregate classification (germline): Uncertain significance (1 of 4 stars; one submission).

Submission:

Labcorp Genetics (formerly Invitae), Labcorp
Classification: Uncertain significance. Last evaluated: 2025-08-03. Review status: criteria provided, single submitter. Criteria: Invitae Variant Classification Sherloc (09022015). Collection method: clinical testing. Allele origin: germline.
Comment: This sequence change replaces glutamic acid, which is acidic and polar, with aspartic acid, which is acidic and polar, at codon 950 of the SIN3B protein (p.Glu950Asp). This variant is not present in population databases (gnomAD no frequency). This variant has not been reported in the literature in individuals affected with SIN3B-related conditions. Invitae Evidence Modeling of protein sequence and biophysical properties (such as structural, functional, and spatial information, amino acid conservation, physicochemical variation, residue mobility, and thermodynamic stability) indicates that this missense variant is not expected to disrupt SIN3B protein function with a negative predictive value of 80%. In summary, the available evidence is currently insufficient to determine the role of this variant in disease. Therefore, it has been classified as a Variant of Uncertain Significance.

NM_001297595.2(SIN3B):c.2754G>T (p.Glu918Asp)

Gene: SIN3B (SIN3 transcription regulator family member B; plus strand). Cytogenetic location: 19p13.11.
Variant type: single nucleotide variant.
Coding change: c.2754G>T on transcript NM_001297595.2 (MANE Select); coding-DNA position 2754, G replaced by T.
Protein change: p.Glu918Asp; replaces glutamic acid 918 with aspartic acid.
Molecular consequence: missense variant.
Genome position (GRCh38, 1-based): chr19:16,876,216, G>T. VCF-style: chr19-16876216-G-T. GRCh37 (hg19) VCF-style: chr19-16987027-G-T.
Other names: c.1524G>T, p.Glu508Asp (NM_001297597.2); c.2850G>T, p.Glu950Asp (NM_015260.4); short protein forms E508D, E918D, E950D.
Identifiers: ClinVar variation 4744739 (VCV004744739.1).